The following is an entry in ClinVar:

ClinVar aggregate classification (germline): Uncertain significance (1 of 4 stars; one submission).

Allele frequency attached by ClinVar (database versions not stated): gnomAD exomes below 0.00001; TOPMed below 0.00001.
gnomAD v4.1: 2 of 1,611,888 alleles (0.00012%); highest among the groups gnomAD compares: Non-Finnish European, 0.000085%; no homozygotes.

Submission:

Labcorp Genetics (formerly Invitae), Labcorp
Classification: Uncertain significance. Last evaluated: 2022-08-17. Review status: criteria provided, single submitter. Criteria: Invitae Variant Classification Sherloc (09022015). Collection method: clinical testing. Allele origin: germline.
Comment: This sequence change replaces valine, which is neutral and non-polar, with glutamic acid, which is acidic and polar, at codon 27 of the MYO7A protein (p.Val27Glu). This variant is not present in population databases (gnomAD no frequency). This variant has not been reported in the literature in individuals affected with MYO7A-related conditions. ClinVar contains an entry for this variant (Variation ID: 1374154). Advanced modeling of protein sequence and biophysical properties (such as structural, functional, and spatial information, amino acid conservation, physicochemical variation, residue mobility, and thermodynamic stability) performed at Invitae indicates that this missense variant is not expected to disrupt MYO7A protein function. In summary, the available evidence is currently insufficient to determine the role of this variant in disease. Therefore, it has been classified as a Variant of Uncertain Significance.

NM_000260.4(MYO7A):c.80T>A (p.Val27Glu)

Gene: MYO7A (myosin VIIA; plus strand). Cytogenetic location: 11q13.5.
Variant type: single nucleotide variant.
Coding change: c.80T>A on transcript NM_000260.4 (MANE Select); coding-DNA position 80, T replaced by A.
Protein change: p.Val27Glu; replaces valine 27 with glutamic acid.
Molecular consequence: missense variant.
Genome position (GRCh38, 1-based): chr11:77,142,770, T>A. VCF-style: chr11-77142770-T-A. GRCh37 (hg19) VCF-style: chr11-76853816-T-A.
Other names: c.80T>A, p.Val27Glu (NM_001127180.2); c.47T>A, p.Val16Glu (NM_001369365.1); short protein forms V16E, V27E.
Identifiers: ClinVar variation 1374154 (VCV001374154.5), dbSNP rs1951305171, ClinGen allele CA381926323.